The following is an entry in ClinVar:

ClinVar aggregate classification (germline): Uncertain significance (1 of 4 stars; one submission).

gnomAD v4.1: 1 of 1,345,416 alleles (0.000074%); highest among the groups gnomAD compares: African/African-American, 0.0015%; no homozygotes.

Submission:

Ambry Genetics
Classification: Uncertain significance. Last evaluated: 2024-04-29. Review status: criteria provided, single submitter. Criteria: Ambry Variant Classification Scheme 2023. Collection method: clinical testing. Allele origin: germline.
Comment: The p.R94W variant (also known as c.280A>T), located in coding exon 1 of the EGLN1 gene, results from an A to T substitution at nucleotide position 280. The arginine at codon 94 is replaced by tryptophan, an amino acid with dissimilar properties. This amino acid position is conserved. In addition, this alteration is predicted to be tolerated by in silico analysis. Since supporting evidence is limited at this time, the clinical significance of this alteration remains unclear.

NM_022051.3(EGLN1):c.280A>T (p.Arg94Trp)

Gene: EGLN1 (egl-9 family hypoxia inducible factor 1; minus strand). Cytogenetic location: 1q42.2.
Variant type: single nucleotide variant.
Coding change: c.280A>T on transcript NM_022051.3 (MANE Select); coding-DNA position 280, A replaced by T.
Protein change: p.Arg94Trp; replaces arginine 94 with tryptophan.
Molecular consequence: missense variant.
Genome position (GRCh38, 1-based): chr1:231,421,609, T>A on the plus strand (A>T on the coding strand, the complement: EGLN1 is on the minus strand). VCF-style: chr1-231421609-T-A. GRCh37 (hg19) VCF-style: chr1-231557355-T-A.
Other names: c.280A>T, p.Arg94Trp (NM_001377260.1, NM_001377261.1); short protein forms R94W.
Identifiers: ClinVar variation 1796304 (VCV001796304.3), dbSNP rs539743848, ClinGen allele CA345238040.
Genomic context (GRCh38, chr1:231,421,609, plus strand): 5'-CCTTTACTTTTCCCTTGGCCGCGTCCCCGGAGGCGTTGTCCCGGCGCGCCGCTGCCTTCC[T>A]GGGCTCCCGGGCCCCGGCCCTGGGCGGCGGCACTGCAGCCGGCGGCGCGGGGCCGGAATG-3'
Protein context (NP_071334.1, residues 84-104): PPPRAGAREP[Arg94Trp]KAAARRDNAS